The following is an entry in ClinVar:

ClinVar aggregate classification (germline): Uncertain significance (1 of 4 stars; one submission).

gnomAD v4.1: 1 of 1,613,730 alleles (0.000062%); highest among the groups gnomAD compares: Non-Finnish European, 0.000085%; no homozygotes.

Submission:

Ambry Genetics
Classification: Uncertain significance. Last evaluated: 2025-07-20. Review status: criteria provided, single submitter. Criteria: Ambry Variant Classification Scheme 2023. Collection method: clinical testing. Allele origin: germline.
Comment: The p.I198T variant (also known as c.593T>C), located in coding exon 5 of the SRP72 gene, results from a T to C substitution at nucleotide position 593. The isoleucine at codon 198 is replaced by threonine, an amino acid with similar properties. This amino acid position is conserved. In addition, the in silico prediction for this alteration is inconclusive. Based on the available evidence, the clinical significance of this variant remains unclear.

NM_006947.4(SRP72):c.593T>C (p.Ile198Thr)

Gene: SRP72 (signal recognition particle 72; plus strand). Cytogenetic location: 4q12.
Variant type: single nucleotide variant.
Coding change: c.593T>C on transcript NM_006947.4 (MANE Select); coding-DNA position 593, T replaced by C.
Protein change: p.Ile198Thr; replaces isoleucine 198 with threonine.
Molecular consequence: missense variant. On other transcripts: non-coding transcript variant (1).
Genome position (GRCh38, 1-based): chr4:56,474,374, T>C. VCF-style: chr4-56474374-T-C. GRCh37 (hg19) VCF-style: chr4-57340540-T-C.
Other names: c.593T>C, p.Ile198Thr (NM_001267722.2); short protein forms I198T.
Identifiers: ClinVar variation 4174941 (VCV004174941.1).